The following is an entry in ClinVar:

NM_003072.5(SMARCA4):c.4098G>C (p.Met1366Ile)

Gene: SMARCA4 (SWI/SNF related BAF chromatin remodeling complex subunit ATPase 4; plus strand). Cytogenetic location: 19p13.2.
Variant type: single nucleotide variant.
Coding change: c.4098G>C on transcript NM_003072.5 (MANE Select); coding-DNA position 4098, G replaced by C.
Protein change: p.Met1366Ile; replaces methionine 1366 with isoleucine.
Molecular consequence: missense variant. On other transcripts: non-coding transcript variant (1).
Genome position (GRCh38, 1-based): chr19:11,035,060, G>C. VCF-style: chr19-11035060-G-C. GRCh37 (hg19) VCF-style: chr19-11145736-G-C.
Other names: c.4098G>C, p.Met1366Ile (NM_001128844.3, NM_001128849.3, NM_001387283.1); c.3999G>C, p.Met1333Ile (NM_001128845.2, NM_001128846.2, NM_001128847.4 and 3 more transcripts); short protein forms M1366I, M1333I.
Identifiers: ClinVar variation 1737788 (VCV001737788.2), dbSNP rs763586264, ClinGen allele CA404068322.

ClinVar aggregate classification (germline): Uncertain significance (1 of 4 stars; one submission).

Conditions:
Hereditary cancer-predisposing syndrome. Also called: Neoplastic Syndromes, Hereditary; Tumor predisposition; Hereditary Cancer Syndrome; Hereditary neoplastic syndrome. Identifiers: Orphanet 140162, MedGen C0027672, MeSH D009386, MONDO:0015356.

Submission:

Ambry Genetics
Classification: Uncertain significance for Hereditary cancer-predisposing syndrome. Last evaluated: 2022-03-30. Review status: criteria provided, single submitter. Criteria: Ambry Variant Classification Scheme 2023. Collection method: clinical testing. Allele origin: germline.
Comment: The p.M1366I variant (also known as c.4098G>C), located in coding exon 28 of the SMARCA4 gene, results from a G to C substitution at nucleotide position 4098. The methionine at codon 1366 is replaced by isoleucine, an amino acid with highly similar properties. This amino acid position is well conserved in available vertebrate species. In addition, the in silico prediction for this alteration is inconclusive. Missense and in-frame variants in SMARCA4 are known to cause neurodevelopmental disorders; however, such associations with rhabdoid tumor predisposition syndrome including small cell carcinoma of the ovary-hypercalcemic type (SCCOHT) are exceedingly rare (Kosho T et al. Am J Med Genet C Semin Med Genet. 2014 Sep;166C(3):262-75; Jelinic P et al. Nat Genet. 2014 May;46(5):424-6). Based on the supporting evidence, the association of this alteration with Coffin-Siris syndrome is unknown; however, the association of this alteration with rhabdoid tumor predisposition syndrome is unlikely.